The following is an entry in ClinVar:

ClinVar aggregate classification (germline): Likely benign. Review status: reviewed by expert panel (3 of 4 stars). 4 submissions from 4 submitters: Likely benign (1). 3 of the submissions do not count toward it. Last evaluated 2017-06-29.

Conditions:
Hereditary cancer-predisposing syndrome. Also called: Tumor predisposition; Hereditary Cancer Syndrome; Hereditary neoplastic syndrome; Neoplastic Syndromes, Hereditary. Identifiers: Orphanet 140162, MedGen C0027672, MeSH D009386, MONDO:0015356.
Hereditary breast ovarian cancer syndrome. Also called: Breast and ovarian cancer; BRCA1- and BRCA2-Associated Hereditary Breast and Ovarian Cancer; Hereditary breast and ovarian cancer; Hereditary breast and ovarian cancer syndrome (HBOC); Hereditary breast and ovarian cancer syndrome; Hereditary breast and/or ovarian cancer syndrome. Identifiers: Orphanet 145, MedGen C0677776, MeSH D061325, MONDO:0003582. Disease mechanism: loss of function.
Breast-ovarian cancer, familial, susceptibility to, 2 (BROVCA2). Also called: BRCA2 Hereditary Breast and Ovarian Cancer. Identifiers: Orphanet 145, MedGen C2675520, MONDO:0012933, OMIM 612555. Disease mechanism: loss of function.

Allele frequency attached by ClinVar (database versions not stated): gnomAD exomes below 0.00001; gnomAD 0.00001; ExAC 0.00002.
gnomAD v4.1: 10 of 1,595,814 alleles (0.00063%); no homozygotes.

Submissions (4):

Evidence-based Network for the Interpretation of Germline Mutant Alleles (ENIGMA)
Classification: Likely benign for Breast-ovarian cancer, familial, susceptibility to, 2. Last evaluated: 2017-06-29. Review status: reviewed by expert panel. Criteria: ENIGMA BRCA1/2 Classification Criteria (2017-06-29). Collection method: curation. Allele origin: germline.
Comment: Synonymous substitution variant, with low bioinformatic likelihood to result in a splicing aberration (Splicing prior probability 0.02).

Labcorp Genetics (formerly Invitae), Labcorp
Classification: Likely benign for Hereditary breast ovarian cancer syndrome. Last evaluated: 2023-11-18. Review status: criteria provided, single submitter. Criteria: Invitae Variant Classification Sherloc (09022015). Collection method: clinical testing. Allele origin: germline. Not counted in ClinVar's aggregate classification.

Blueprint Genetics
Classification: Likely benign. Last evaluated: 2023-09-15. Review status: criteria provided, single submitter. Criteria: ACMG Guidelines, 2015. Collection method: clinical testing. Allele origin: germline. Not counted in ClinVar's aggregate classification.

Ambry Genetics
Classification: Likely benign for Hereditary cancer-predisposing syndrome. Last evaluated: 2015-06-22. Review status: criteria provided, single submitter. Criteria: Ambry Variant Classification Scheme 2023. Collection method: clinical testing. Allele origin: germline. Not counted in ClinVar's aggregate classification.

NM_000059.4(BRCA2):c.5049G>A (p.Gln1683=)

Gene: BRCA2 (BRCA2 DNA repair associated; plus strand). Cytogenetic location: 13q13.1.
Variant type: single nucleotide variant.
Coding change: c.5049G>A on transcript NM_000059.4 (MANE Select); coding-DNA position 5049, G replaced by A.
Protein change: p.Gln1683=; no amino-acid change (glutamine 1683 retained).
Molecular consequence: synonymous variant.
Genome position (GRCh38, 1-based): chr13:32,339,404, G>A. VCF-style: chr13-32339404-G-A. GRCh37 (hg19) VCF-style: chr13-32913541-G-A.
Identifiers: ClinVar variation 415705 (VCV000415705.19), dbSNP rs773973434, ClinGen allele CA6940843.